The following is an entry in ClinVar:

NM_014319.5(LEMD3):c.928G>C (p.Val310Leu)

Gene: LEMD3 (LEM domain containing 3; plus strand). Cytogenetic location: 12q14.3.
Variant type: single nucleotide variant.
Coding change: c.928G>C on transcript NM_014319.5 (MANE Select); coding-DNA position 928, G replaced by C.
Protein change: p.Val310Leu; replaces valine 310 with leucine.
Molecular consequence: missense variant.
Genome position (GRCh38, 1-based): chr12:65,170,524, G>C. VCF-style: chr12-65170524-G-C. GRCh37 (hg19) VCF-style: chr12-65564304-G-C.
Other names: c.928G>C, p.Val310Leu (NM_001167614.2); short protein forms V310L.
Identifiers: ClinVar variation 2975674 (VCV002975674.3), dbSNP rs772145338, ClinGen allele CA238907736.

ClinVar aggregate classification (germline): Uncertain significance (1 of 4 stars; one submission).

Allele frequency attached by ClinVar (database versions not stated): gnomAD 0.00001; TOPMed 0.00001.
gnomAD v4.1: 5 of 1,614,030 alleles (0.00031%); highest among the groups gnomAD compares: African/African-American, 0.0013%; no homozygotes.

Submission:

Labcorp Genetics (formerly Invitae), Labcorp
Classification: Uncertain significance. Last evaluated: 2023-01-17. Review status: criteria provided, single submitter. Criteria: Invitae Variant Classification Sherloc (09022015). Collection method: clinical testing. Allele origin: germline.
Comment: This sequence change replaces valine, which is neutral and non-polar, with leucine, which is neutral and non-polar, at codon 310 of the LEMD3 protein (p.Val310Leu). This variant is not present in population databases (gnomAD no frequency). This variant has not been reported in the literature in individuals affected with LEMD3-related conditions. Advanced modeling of protein sequence and biophysical properties (such as structural, functional, and spatial information, amino acid conservation, physicochemical variation, residue mobility, and thermodynamic stability) performed at Invitae indicates that this missense variant is not expected to disrupt LEMD3 protein function. In summary, the available evidence is currently insufficient to determine the role of this variant in disease. Therefore, it has been classified as a Variant of Uncertain Significance.